The following is an entry in ClinVar:

ClinVar aggregate classification (germline): Uncertain significance (1 of 4 stars; one submission).

Conditions:
Primary ciliary dyskinesia. Also called: Ciliary dyskinesia. Identifiers: Orphanet 244, MedGen C0008780, MONDO:0016575, HP:0012265.

gnomAD v4.1: 1 of 1,613,828 alleles (0.000062%); highest among the groups gnomAD compares: Non-Finnish European, 0.000085%; no homozygotes.

Submission:

Labcorp Genetics (formerly Invitae), Labcorp
Classification: Uncertain significance for Primary ciliary dyskinesia. Last evaluated: 2022-02-04. Review status: criteria provided, single submitter. Criteria: Invitae Variant Classification Sherloc (09022015). Collection method: clinical testing. Allele origin: germline.
Comment: This sequence change replaces phenylalanine, which is neutral and non-polar, with cysteine, which is neutral and slightly polar, at codon 1159 of the DNAH5 protein (p.Phe1159Cys). This variant is not present in population databases (gnomAD no frequency). This variant has not been reported in the literature in individuals affected with DNAH5-related conditions. ClinVar contains an entry for this variant (Variation ID: 934508). Advanced modeling of protein sequence and biophysical properties (such as structural, functional, and spatial information, amino acid conservation, physicochemical variation, residue mobility, and thermodynamic stability) performed at Invitae indicates that this missense variant is not expected to disrupt DNAH5 protein function. In summary, the available evidence is currently insufficient to determine the role of this variant in disease. Therefore, it has been classified as a Variant of Uncertain Significance.

NM_001369.3(DNAH5):c.3476T>G (p.Phe1159Cys)

Genes: DNAH5 (dynein axonemal heavy chain 5; minus strand), DNAH5-AS1 (DNAH5 antisense RNA 1; plus strand). Cytogenetic location: 5p15.2.
Variant type: single nucleotide variant.
Coding change: c.3476T>G on transcript NM_001369.3 (MANE Select); coding-DNA position 3476, T replaced by G.
Protein change: p.Phe1159Cys; replaces phenylalanine 1159 with cysteine.
Molecular consequence: missense variant.
Genome position (GRCh38, 1-based): chr5:13,871,686, A>C on the plus strand (T>G on the coding strand, the complement: DNAH5 is on the minus strand). VCF-style: chr5-13871686-A-C. GRCh37 (hg19) VCF-style: chr5-13871795-A-C.
Other names: short protein forms F1159C.
Identifiers: ClinVar variation 934508 (VCV000934508.10), dbSNP rs375100071, ClinGen allele CA359233142.